The following is an entry in ClinVar:

NM_020778.5(ALPK3):c.4050T>A (p.Asn1350Lys)

Gene: ALPK3 (alpha kinase 3; plus strand). Cytogenetic location: 15q25.3.
Variant type: single nucleotide variant.
Coding change: c.4050T>A on transcript NM_020778.5 (MANE Select); coding-DNA position 4050, T replaced by A.
Protein change: p.Asn1350Lys; replaces asparagine 1350 with lysine.
Molecular consequence: missense variant.
Genome position (GRCh38, 1-based): chr15:84,859,860, T>A. VCF-style: chr15-84859860-T-A. GRCh37 (hg19) VCF-style: chr15-85403091-T-A.
Other names: short protein forms N1350K.
Identifiers: ClinVar variation 1742210 (VCV001742210.2), dbSNP rs2505724867, ClinGen allele CA393361962.

ClinVar aggregate classification (germline): Uncertain significance (1 of 4 stars; one submission).

Conditions:
Cardiovascular phenotype. Identifiers: MedGen CN230736.

Submission:

Ambry Genetics
Classification: Uncertain significance for Cardiovascular phenotype. Last evaluated: 2021-11-04. Review status: criteria provided, single submitter. Criteria: Ambry Variant Classification Scheme 2023. Collection method: clinical testing. Allele origin: germline.
Comment: The p.N1552K variant (also known as c.4656T>A), located in coding exon 8 of the ALPK3 gene, results from a T to A substitution at nucleotide position 4656. The asparagine at codon 1552 is replaced by lysine, an amino acid with similar properties. This amino acid position is conserved. In addition, this alteration is predicted to be tolerated by in silico analysis. Since supporting evidence is limited at this time, the clinical significance of this alteration remains unclear.